The following is an entry in ClinVar:

ClinVar aggregate classification (germline): Likely benign (0 of 4 stars; one submission).

Conditions:
LRRC45-related disorder. Also called: LRRC45-related condition.

gnomAD v4.1: 82 of 1,573,996 alleles (0.0052%); highest among the groups gnomAD compares: Admixed American, 0.0018%; no homozygotes.

Submission:

PreventionGenetics, part of Exact Sciences
Classification: Likely benign for LRRC45-related condition. Last evaluated: 2024-08-29. Review status: no assertion criteria provided. Collection method: clinical testing. Allele origin: germline.
Comment: This variant is classified as likely benign based on ACMG/AMP sequence variant interpretation guidelines (Richards et al. 2015 PMID: 25741868, with internal and published modifications).

NM_144999.4(LRRC45):c.1475G>C (p.Ser492Thr)

Gene: LRRC45 (leucine rich repeat containing 45; plus strand). Cytogenetic location: 17q25.3.
Variant type: single nucleotide variant.
Coding change: c.1475G>C on transcript NM_144999.4 (MANE Select); coding-DNA position 1475, G replaced by C.
Protein change: p.Ser492Thr; replaces serine 492 with threonine.
Molecular consequence: missense variant.
Genome position (GRCh38, 1-based): chr17:82,029,616, G>C. VCF-style: chr17-82029616-G-C. GRCh37 (hg19) VCF-style: chr17-79987492-G-C.
Other names: short protein forms S492T.
Identifiers: ClinVar variation 3345772 (VCV003345772.1).